The following is an entry in ClinVar:

ClinVar aggregate classification (germline): Uncertain significance (1 of 4 stars; one submission).

Allele frequency attached by ClinVar (database versions not stated): gnomAD exomes below 0.00001; TOPMed below 0.00001; ExAC 0.00001.

Submission:

Labcorp Genetics (formerly Invitae), Labcorp
Classification: Uncertain significance. Last evaluated: 2025-03-18. Review status: criteria provided, single submitter. Criteria: Invitae Variant Classification Sherloc (09022015). Collection method: clinical testing. Allele origin: germline.
Comment: This sequence change replaces isoleucine, which is neutral and non-polar, with valine, which is neutral and non-polar, at codon 190 of the IRF4 protein (p.Ile190Val). This variant is present in population databases (rs763272146, gnomAD 0.0009%). This variant has not been reported in the literature in individuals affected with IRF4-related conditions. ClinVar contains an entry for this variant (Variation ID: 1440531). An algorithm developed to predict the effect of missense changes on protein structure and function (PolyPhen-2) suggests that this variant is likely to be tolerated. In summary, the available evidence is currently insufficient to determine the role of this variant in disease. Therefore, it has been classified as a Variant of Uncertain Significance.

NM_002460.4(IRF4):c.568A>G (p.Ile190Val)

Gene: IRF4 (interferon regulatory factor 4; plus strand). Cytogenetic location: 6p25.3.
Variant type: single nucleotide variant.
Coding change: c.568A>G on transcript NM_002460.4 (MANE Select); coding-DNA position 568, A replaced by G.
Protein change: p.Ile190Val; replaces isoleucine 190 with valine.
Molecular consequence: missense variant. On other transcripts: non-coding transcript variant (1).
Genome position (GRCh38, 1-based): chr6:397,183, A>G. VCF-style: chr6-397183-A-G. GRCh37 (hg19) VCF-style: chr6-397183-A-G.
Other names: c.565A>G, p.Ile189Val (NM_001195286.2); short protein forms I190V, I189V.
Identifiers: ClinVar variation 1440531 (VCV001440531.8), dbSNP rs763272146, ClinGen allele CA3612739.